The following is an entry in ClinVar:

NM_003502.4(AXIN1):c.2484C>T (p.Ser828=)

Gene: AXIN1 (axin 1; minus strand). Cytogenetic location: 16p13.3.
Variant type: single nucleotide variant.
Coding change: c.2484C>T on transcript NM_003502.4 (MANE Select); coding-DNA position 2484, C replaced by T.
Protein change: p.Ser828=; no amino-acid change (serine 828 retained).
Molecular consequence: synonymous variant. On other transcripts: non-coding transcript variant (1).
Genome position (GRCh38, 1-based): chr16:288,227, G>A on the plus strand (C>T on the coding strand, the complement: AXIN1 is on the minus strand). VCF-style: chr16-288227-G-A. GRCh37 (hg19) VCF-style: chr16-338227-G-A.
Other names: c.2376C>T, p.Ser792= (NM_181050.3).
Identifiers: ClinVar variation 3058269 (VCV003058269.2), dbSNP rs568525212, ClinGen allele CA7773756.

ClinVar aggregate classification (germline): Likely benign (0 of 4 stars; one submission).

Conditions:
AXIN1-related disorder. Also called: AXIN1-related condition.

Allele frequency attached by ClinVar (database versions not stated): gnomAD exomes 0.00004; TOPMed 0.00005; gnomAD 0.00006; ExAC 0.00007; 1000 Genomes Project 30x 0.00031; 1000 Genomes Project 0.00040.
gnomAD v4.1: 75 of 1,613,650 alleles (0.0046%); highest among the groups gnomAD compares: African/African-American, 0.013%; no homozygotes.

Submission:

PreventionGenetics, part of Exact Sciences
Classification: Likely benign for AXIN1-related condition. Last evaluated: 2019-02-19. Review status: no assertion criteria provided. Collection method: clinical testing. Allele origin: germline.
Comment: This variant is classified as likely benign based on ACMG/AMP sequence variant interpretation guidelines (Richards et al. 2015 PMID: 25741868, with internal and published modifications).